The following is an entry in ClinVar:

ClinVar aggregate classification (germline): Uncertain significance (1 of 4 stars; one submission).

Allele frequency attached by ClinVar (database versions not stated): gnomAD exomes below 0.00001; TOPMed below 0.00001.
gnomAD v4.1: 2 of 1,614,096 alleles (0.00012%); highest among the groups gnomAD compares: Non-Finnish European, 0.00017%; no homozygotes.

Submission:

Labcorp Genetics (formerly Invitae), Labcorp
Classification: Uncertain significance. Last evaluated: 2025-03-17. Review status: criteria provided, single submitter. Criteria: Invitae Variant Classification Sherloc (09022015). Collection method: clinical testing. Allele origin: germline.
Comment: This sequence change replaces isoleucine, which is neutral and non-polar, with threonine, which is neutral and polar, at codon 1470 of the COL2A1 protein (p.Ile1470Thr). This variant is not present in population databases (gnomAD no frequency). This variant has not been reported in the literature in individuals affected with COL2A1-related conditions. ClinVar contains an entry for this variant (Variation ID: 943476). Invitae Evidence Modeling of protein sequence and biophysical properties (such as structural, functional, and spatial information, amino acid conservation, physicochemical variation, residue mobility, and thermodynamic stability) indicates that this missense variant is not expected to disrupt COL2A1 protein function with a negative predictive value of 95%. In summary, the available evidence is currently insufficient to determine the role of this variant in disease. Therefore, it has been classified as a Variant of Uncertain Significance.

NM_001844.5(COL2A1):c.4409T>C (p.Ile1470Thr)

Gene: COL2A1 (collagen type II alpha 1 chain; minus strand). Cytogenetic location: 12q13.11.
Variant type: single nucleotide variant.
Coding change: c.4409T>C on transcript NM_001844.5 (MANE Select); coding-DNA position 4409, T replaced by C.
Protein change: p.Ile1470Thr; replaces isoleucine 1470 with threonine.
Molecular consequence: missense variant.
Genome position (GRCh38, 1-based): chr12:47,973,462, A>G on the plus strand (T>C on the coding strand, the complement: COL2A1 is on the minus strand). VCF-style: chr12-47973462-A-G. GRCh37 (hg19) VCF-style: chr12-48367245-A-G.
Other names: c.4202T>C, p.Ile1401Thr (NM_033150.3); short protein forms I1401T, I1470T.
Identifiers: ClinVar variation 943476 (VCV000943476.8), dbSNP rs1938534876, ClinGen allele CA384533180.
Genomic context (GRCh38, chr12:47,973,462, plus strand): 5'-GGTTTTTACAAGAAGCAGACCGGCCCTATGTCCACACCGAATTCCTGCTCGGGCCCTCCT[A>G]TGTCCATGGGTGCAATGTCAATGATGGGGAGGCGTGAGGTCTTCTGTGACCGGTACTCGA-3'
Protein context (NP_001835.3, residues 1460-1480): LPIIDIAPMD[Ile1470Thr]GGPEQEFGVD